The following is an entry in ClinVar:

NM_000132.4(F8):c.1279A>G (p.Lys427Glu)

Gene: F8 (coagulation factor VIII; minus strand). Cytogenetic location: Xq28.
Variant type: single nucleotide variant.
Coding change: c.1279A>G on transcript NM_000132.4 (MANE Select); coding-DNA position 1279, A replaced by G.
Protein change: p.Lys427Glu; replaces lysine 427 with glutamic acid.
Molecular consequence: missense variant.
Genome position (GRCh38, 1-based): chrX:154,966,134, T>C on the plus strand (A>G on the coding strand, the complement: F8 is on the minus strand). VCF-style: chrX-154966134-T-C. GRCh37 (hg19) VCF-style: chrX-154194409-T-C.
Other names: p.Lys427Glu; c.1279A>G (NM_000132.3); short protein forms K427E.
Identifiers: ClinVar variation 3380768 (VCV003380768.1), dbSNP rs1279399363.
Genomic context (GRCh38, chrX:154,966,134, plus strand): 5'-ATCGGACTTTTTTGTACTTCCTACCAATCCGCTGAGGGCCATTGTTCAAATATTGACTTT[T>C]ATAACTTCTGTATAAGAGAAAAAAAGATGAGAGGTTGGGAAGAAAAATTCTAGGTAGGCT-3'
Protein context (NP_000123.1, residues 417-437): LVLAPDDRSY[Lys427Glu]SQYLNNGPQR

ClinVar aggregate classification (germline): Uncertain significance (1 of 4 stars; one submission).

Allele frequency attached by ClinVar (database versions not stated): TOPMed 0.00003; gnomAD exomes 0.00001; gnomAD 0.00002.
gnomAD v4.1: 16 of 1,207,356 alleles (0.0013%); highest among the groups gnomAD compares: Non-Finnish European, 0.0018%; no homozygotes.

Submission:

Mayo Clinic Laboratories, Mayo Clinic
Classification: Uncertain significance. Last evaluated: 2024-04-24. Review status: criteria provided, single submitter. Criteria: ACMG Guidelines, 2015. Collection method: clinical testing. Allele origin: germline. Observed: 1 variant allele.
Comment: PM1_supporting, PM2_moderate

Literature cited by the submitters: PubMed 35770352.